The following is an entry in ClinVar:

ClinVar aggregate classification (germline): Uncertain significance (1 of 4 stars; one submission).

Allele frequency attached by ClinVar (database versions not stated): gnomAD exomes below 0.00001; 1000 Genomes Project 30x 0.00016; 1000 Genomes Project 0.00020; gnomAD 0.00001.

Submission:

Labcorp Genetics (formerly Invitae), Labcorp
Classification: Uncertain significance. Last evaluated: 2025-11-23. Review status: criteria provided, single submitter. Criteria: Invitae Variant Classification Sherloc (09022015). Collection method: clinical testing. Allele origin: germline.
Comment: This sequence change creates a premature translational stop signal (p.Ser642*) in the SAMD9L gene. While this is not anticipated to result in nonsense mediated decay, it is expected to disrupt the last 943 amino acid(s) of the SAMD9L protein. This variant is not present in population databases (gnomAD no frequency). This variant has not been reported in the literature in individuals affected with SAMD9L-related conditions. ClinVar contains an entry for this variant (Variation ID: 2094737). Experimental studies and prediction algorithms are not available or were not evaluated, and the functional significance of this variant is currently unknown. In summary, the available evidence is currently insufficient to determine the role of this variant in disease. Therefore, it has been classified as a Variant of Uncertain Significance.

NM_152703.5(SAMD9L):c.1925C>G (p.Ser642Ter)

Gene: SAMD9L (sterile alpha motif domain containing 9 like; minus strand). Cytogenetic location: 7q21.2.
Variant type: single nucleotide variant.
Coding change: c.1925C>G on transcript NM_152703.5 (MANE Select); coding-DNA position 1925, C replaced by G.
Protein change: p.Ser642Ter; replaces serine 642 with a stop codon.
Molecular consequence: nonsense.
Genome position (GRCh38, 1-based): chr7:93,134,047, G>C on the plus strand (C>G on the coding strand, the complement: SAMD9L is on the minus strand). VCF-style: chr7-93134047-G-C. GRCh37 (hg19) VCF-style: chr7-92763360-G-C.
Other names: c.1925C>G, p.Ser642Ter (NM_001303496.3, NM_001303497.3, NM_001303498.3 and 5 more transcripts); short protein forms S642*.
Identifiers: ClinVar variation 2094737 (VCV002094737.4), dbSNP rs199955908, ClinGen allele CA161962088.
Genomic context (GRCh38, chr7:93,134,047, plus strand): 5'-TTTTCACAGAGGATTTCCAGTGCAGTCAAGACATCCTCTTTCTTTTTCTCTAGGATAACT[G>C]AAGAAGATCCACGGGCGGGCAAAAACCTTCTTGATGACCGAGTCACCGATTTTAGTTTAA-3'